The following is an entry in ClinVar:

ClinVar aggregate classification (germline): Benign/Likely benign. Review status: criteria provided, multiple submitters, no conflicts (2 of 4 stars). 11 submissions from 11 submitters: Benign (1); Likely benign (8). 2 of the submissions do not count toward it. Last evaluated 2026-01-28.

Conditions:
NTRK1-related disorder. Also called: NTRK1-related condition.
Inborn genetic diseases. Identifiers: MedGen C0950123, MeSH D030342.
Hereditary insensitivity to pain with anhidrosis (CIPA). Also called: HSAN Type IV; hereditary sensory and autonomic neuropathy type 4; INSENSITIVITY TO PAIN, CONGENITAL, WITH ANHIDROSIS; FAMILIAL DYSAUTONOMIA, TYPE II; NTRK1 Congenital Insensitivity to Pain with Anhidrosis; NEUROPATHY, CONGENITAL SENSORY, WITH ANHIDROSIS. Identifiers: Orphanet 642, MedGen C0020074, MONDO:0009746, OMIM 256800.

Allele frequency attached by ClinVar (database versions not stated): gnomAD exomes 0.00025 and 0.00064; ExAC 0.00095; 1000 Genomes Project 30x 0.00234; 1000 Genomes Project 0.00260; gnomAD 0.00268 and 0.00289; TOPMed 0.00285; ESP Exome Variant Server 0.00308.
gnomAD v4.1: 783 of 1,613,990 alleles (0.049%); highest among the groups gnomAD compares: African/African-American, 0.89%; 4 homozygotes.

Submissions (11):

Labcorp Genetics (formerly Invitae), Labcorp
Classification: Benign for Hereditary insensitivity to pain with anhidrosis. Last evaluated: 2026-01-28. Review status: criteria provided, single submitter. Criteria: Invitae Variant Classification Sherloc (09022015). Collection method: clinical testing. Allele origin: germline.

Mayo Clinic Laboratories, Mayo Clinic
Classification: Likely benign. Last evaluated: 2025-10-02. Review status: criteria provided, single submitter. Criteria: ACMG Guidelines, 2015. Collection method: clinical testing. Allele origin: germline. Observed: 1 variant allele.
Comment: BS1, BP4, BP7

Women's Health and Genetics/Laboratory Corporation of America, LabCorp
Classification: Likely benign. Last evaluated: 2025-07-07. Review status: criteria provided, single submitter. Criteria: LabCorp Variant Classification Summary - May 2015. Collection method: clinical testing. Allele origin: germline.

CeGaT Center for Human Genetics Tuebingen
Classification: Likely benign. Last evaluated: 2025-07-01. Review status: criteria provided, single submitter. Criteria: CeGaT Center For Human Genetics Tuebingen Variant Classification Criteria Version 2. Collection method: clinical testing. Allele origin: germline. Affected: yes. Observed: 1 variant allele.
Comment: NTRK1: BP4, BP7

Blueprint Genetics
Classification: Likely benign. Last evaluated: 2024-09-16. Review status: criteria provided, single submitter. Criteria: ACMG Guidelines, 2015. Collection method: clinical testing. Allele origin: germline.

Genome-Nilou Lab
Classification: Likely benign for Hereditary insensitivity to pain with anhidrosis. Last evaluated: 2023-04-11. Review status: criteria provided, single submitter. Criteria: ACMG Guidelines, 2015. Collection method: clinical testing. Allele origin: germline. Affected: no.

Ambry Genetics
Classification: Likely benign for Inborn genetic diseases. Last evaluated: 2019-07-11. Review status: criteria provided, single submitter. Criteria: Ambry Variant Classification Scheme 2023. Collection method: clinical testing. Allele origin: germline.

GeneDx
Classification: Likely benign. Last evaluated: 2018-02-13. Review status: criteria provided, single submitter. Criteria: GeneDx Variant Classification (06012015). Collection method: clinical testing. Allele origin: germline. Affected: yes.
Comment: This variant is considered likely benign or benign based on one or more of the following criteria: it is a conservative change, it occurs at a poorly conserved position in the protein, it is predicted to be benign by multiple in silico algorithms, and/or has population frequency not consistent with disease.

Illumina Laboratory Services, Illumina
Classification: Likely benign for Hereditary insensitivity to pain with anhidrosis. Last evaluated: 2018-01-12. Review status: criteria provided, single submitter. Criteria: ICSL Variant Classification Criteria 13 December 2019. Collection method: clinical testing. Allele origin: germline.
Comment: This variant was observed in the ICSL laboratory as part of a predisposition screen in an ostensibly healthy population. It had not been previously curated by ICSL or reported in the Human Gene Mutation Database (HGMD: prior to June 1st, 2018), and was therefore a candidate for classification through an automated scoring system. Utilizing variant allele frequency, disease prevalence and penetrance estimates, and inheritance mode, an automated score was calculated to assess if this variant is too frequent to cause the disease. Based on the score and internal cut-off values, a variant classified as likely benign is not then subjected to further curation. The score for this variant resulted in a classification of likely benign for this disease.

PreventionGenetics, part of Exact Sciences
Classification: Benign for NTRK1-related condition. Last evaluated: 2022-08-29. Review status: no assertion criteria provided. Collection method: clinical testing. Allele origin: germline. Not counted in ClinVar's aggregate classification.
Comment: This variant is classified as benign based on ACMG/AMP sequence variant interpretation guidelines (Richards et al. 2015 PMID: 25741868, with internal and published modifications).

Natera, Inc.
Classification: Likely benign for Hereditary insensitivity to pain with anhidrosis. Last evaluated: 2020-04-17. Review status: no assertion criteria provided. Collection method: clinical testing. Allele origin: germline. Not counted in ClinVar's aggregate classification.

NM_002529.4(NTRK1):c.1236C>T (p.Asp412=)

Gene: NTRK1 (neurotrophic receptor tyrosine kinase 1; plus strand). Cytogenetic location: 1q23.1.
Variant type: single nucleotide variant.
Coding change: c.1236C>T on transcript NM_002529.4 (MANE Select); coding-DNA position 1236, C replaced by T.
Protein change: p.Asp412=; no amino-acid change (aspartic acid 412 retained).
Molecular consequence: synonymous variant.
Genome position (GRCh38, 1-based): chr1:156,874,611, C>T. VCF-style: chr1-156874611-C-T. GRCh37 (hg19) VCF-style: chr1-156844403-C-T.
Other names: p.Asp406=; c.1128C>T, p.Asp376= (NM_001007792.1); c.1218C>T, p.Asp406= (NM_001012331.2); c.1236C>T (NM_002529.3).
Identifiers: ClinVar variation 292884 (VCV000292884.33), dbSNP rs147438950, ClinGen allele CA1169250.
Genomic context (GRCh38, chr1:156,874,611, plus strand): 5'-CCTGCCCTGTGTCCCTACAGACACTAACAGCACATCTGGAGACCCGGTGGAGAAGAAGGA[C>T]GAAACACCTTTTGGGGTGAGATAGGAAGTAGAAGCTTGTGCAGACTTTGGGACCGGGAGG-3'
Protein context (NP_002520.2, residues 402-422): STSGDPVEKK[Asp412=]ETPFGVSVAV